The following is an entry in ClinVar:

NM_133497.4(KCNV2):c.39C>G (p.Tyr13Ter)

Gene: KCNV2 (potassium voltage-gated channel modifier subfamily V member 2; plus strand). Cytogenetic location: 9p24.2.
Variant type: single nucleotide variant.
Coding change: c.39C>G on transcript NM_133497.4 (MANE Select); coding-DNA position 39, C replaced by G.
Protein change: p.Tyr13Ter; replaces tyrosine 13 with a stop codon.
Molecular consequence: nonsense.
Genome position (GRCh38, 1-based): chr9:2,717,778, C>G. VCF-style: chr9-2717778-C-G. GRCh37 (hg19) VCF-style: chr9-2717778-C-G.
Other names: short protein forms Y13*.
Identifiers: ClinVar variation 1955508 (VCV001955508.5), dbSNP rs1033681137, ClinGen allele CA187970123.

ClinVar aggregate classification (germline): Pathogenic (1 of 4 stars; one submission).

Allele frequency attached by ClinVar (database versions not stated): TOPMed below 0.00001; gnomAD 0.00001.

Submission:

Labcorp Genetics (formerly Invitae), Labcorp
Classification: Pathogenic. Last evaluated: 2022-07-06. Review status: criteria provided, single submitter. Criteria: Invitae Variant Classification Sherloc (09022015). Collection method: clinical testing. Allele origin: germline.
Comment: This variant has not been reported in the literature in individuals affected with KCNV2-related conditions. For these reasons, this variant has been classified as Pathogenic. This variant is not present in population databases (gnomAD no frequency). This sequence change creates a premature translational stop signal (p.Tyr13*) in the KCNV2 gene. It is expected to result in an absent or disrupted protein product. Loss-of-function variants in KCNV2 are known to be pathogenic (PMID: 16909397, 18235024).

Literature cited by the submitters: PubMed 16909397; PubMed 18235024.